The following is an entry in ClinVar:

ClinVar aggregate classification (germline): Uncertain significance. Review status: criteria provided, multiple submitters, no conflicts (2 of 4 stars). 3 submissions from 3 submitters: Uncertain significance (3). Last evaluated 2026-03-30.

Conditions:
Hereditary cancer-predisposing syndrome. Also called: Neoplastic Syndromes, Hereditary; Tumor predisposition; Hereditary Cancer Syndrome; Hereditary neoplastic syndrome. Identifiers: Orphanet 140162, MedGen C0027672, MeSH D009386, MONDO:0015356.
Familial adenomatous polyposis 1 (FAP1). Also called: FAMILIAL ADENOMATOUS POLYPOSIS 1, ATTENUATED; POLYPOSIS, ADENOMATOUS INTESTINAL. Identifiers: MedGen C2713442, MONDO:0021056, OMIM 175100. Disease mechanism: loss of function.

Submissions (3):

Ambry Genetics
Classification: Uncertain significance for Hereditary cancer-predisposing syndrome. Last evaluated: 2026-03-30. Review status: criteria provided, single submitter. Criteria: Ambry Variant Classification Scheme 2023. Collection method: clinical testing. Allele origin: germline.
Comment: The p.S2763G variant (also known as c.8287A>G), located in coding exon 15 of the APC gene, results from an A to G substitution at nucleotide position 8287. The serine at codon 2763 is replaced by glycine, an amino acid with similar properties. This amino acid position is well conserved in available vertebrate species. Missense variants in APC are not a common cause of disease (Spier I et al. Genet Med. 2024 Feb;26(2):100992). Based on the available evidence, the clinical significance of this variant remains unclear.

Labcorp Genetics (formerly Invitae), Labcorp
Classification: Uncertain significance for Familial adenomatous polyposis 1. Last evaluated: 2025-02-06. Review status: criteria provided, single submitter. Criteria: Invitae Variant Classification Sherloc (09022015). Collection method: clinical testing. Allele origin: germline.
Comment: This sequence change replaces serine, which is neutral and polar, with glycine, which is neutral and non-polar, at codon 2763 of the APC protein (p.Ser2763Gly). This variant is not present in population databases (gnomAD no frequency). This variant has not been reported in the literature in individuals affected with APC-related conditions. ClinVar contains an entry for this variant (Variation ID: 3239980). Invitae Evidence Modeling of protein sequence and biophysical properties (such as structural, functional, and spatial information, amino acid conservation, physicochemical variation, residue mobility, and thermodynamic stability) indicates that this missense variant is not expected to disrupt APC protein function with a negative predictive value of 95%. In summary, the available evidence is currently insufficient to determine the role of this variant in disease. Therefore, it has been classified as a Variant of Uncertain Significance.

Baylor Genetics
Classification: Uncertain significance for Familial adenomatous polyposis 1. Last evaluated: 2024-02-23. Review status: criteria provided, single submitter. Criteria: ACMG Guidelines, 2015. Collection method: clinical testing. Allele origin: unknown.

NM_000038.6(APC):c.8287A>G (p.Ser2763Gly)

Gene: APC (APC regulator of Wnt signaling pathway; plus strand). Cytogenetic location: 5q22.2.
Variant type: single nucleotide variant.
Coding change: c.8287A>G on transcript NM_000038.6 (MANE Select); coding-DNA position 8287, A replaced by G.
Protein change: p.Ser2763Gly; replaces serine 2763 with glycine.
Molecular consequence: missense variant. On other transcripts: non-coding transcript variant (2).
Genome position (GRCh38, 1-based): chr5:112,843,881, A>G. VCF-style: chr5-112843881-A-G. GRCh37 (hg19) VCF-style: chr5-112179578-A-G.
Other names: c.8287A>G, p.Ser2763Gly (NM_001127510.3, NM_001354895.2, NM_001407450.1); c.8233A>G, p.Ser2745Gly (NM_001127511.3); c.8341A>G, p.Ser2781Gly (NM_001354896.2, NM_001407447.1, NM_001407448.1 and 1 more transcripts); c.8317A>G, p.Ser2773Gly (NM_001354897.2); c.8212A>G, p.Ser2738Gly (NM_001354898.2); c.8203A>G, p.Ser2735Gly (NM_001354899.2); c.8164A>G, p.Ser2722Gly (NM_001354900.2); c.8110A>G, p.Ser2704Gly (NM_001354901.2, NM_001407453.1); and 12 more; short protein forms S2379G, S2480G, S2603G, S2634G, S2637G, S2662G, S2672G, S2680G.
Identifiers: ClinVar variation 3239980 (VCV003239980.3), dbSNP rs2150002602.